The following is an entry in ClinVar:

NM_000173.7(GP1BA):c.1185C>T (p.Pro395=)

Gene: GP1BA (glycoprotein Ib platelet subunit alpha; plus strand). Cytogenetic location: 17p13.2.
Variant type: single nucleotide variant.
Coding change: c.1185C>T on transcript NM_000173.7 (MANE Select); coding-DNA position 1185, C replaced by T.
Protein change: p.Pro395=; no amino-acid change (proline 395 retained).
Molecular consequence: synonymous variant.
Genome position (GRCh38, 1-based): chr17:4,933,789, C>T. VCF-style: chr17-4933789-C-T. GRCh37 (hg19) VCF-style: chr17-4837084-C-T.
Identifiers: ClinVar variation 3031793 (VCV003031793.2), dbSNP rs953083645, ClinGen allele CA287217077.
Genomic context (GRCh38, chr17:4,933,789, plus strand): 5'-TCCAAAATCCACTACTGAACCAACCCCAAGCCCGACCACCTCAGAGCCCGTCCCGGAGCC[C>T]GCCCCAAACATGACCACCCTGGAGCCCACTCCAAGCCCGACCACCCCAGAGCCCACCTCA-3'
Protein context (NP_000164.5, residues 385-405): SPTTSEPVPE[Pro395=]APNMTTLEPT

ClinVar aggregate classification (germline): Likely benign (0 of 4 stars; one submission).

Conditions:
GP1BA-related disorder. Also called: GP1BA-related condition.

Allele frequency attached by ClinVar (database versions not stated): gnomAD exomes below 0.00001; TOPMed below 0.00001.
gnomAD v4.1: 6 of 1,613,134 alleles (0.00037%); highest among the groups gnomAD compares: Non-Finnish European, 0.00042%; no homozygotes.

Submission:

PreventionGenetics, part of Exact Sciences
Classification: Likely benign for GP1BA-related condition. Last evaluated: 2020-09-22. Review status: no assertion criteria provided. Collection method: clinical testing. Allele origin: germline.
Comment: This variant is classified as likely benign based on ACMG/AMP sequence variant interpretation guidelines (Richards et al. 2015 PMID: 25741868, with internal and published modifications).